The following is an entry in ClinVar:

NC_000009.11:g.(27011967_27016904)_(27029103_27044739)del

Gene: IFT74 (intraflagellar transport 74; plus strand). Cytogenetic location: 9p21.2.
Variant type: Deletion.
Identifiers: ClinVar variation 3895610 (VCV003895610.1).

ClinVar aggregate classification (germline): Pathogenic (1 of 4 stars; one submission).

Conditions:
IFT74-related disorder. Also called: IFT74-related condition; IFT74-Related Disorders.

Submission:

Women's Health and Genetics/Laboratory Corporation of America, LabCorp
Classification: Pathogenic for IFT74-Related Disorders. Last evaluated: 2025-03-17. Review status: criteria provided, single submitter. Criteria: LabCorp Variant Classification Summary - May 2015. Collection method: clinical testing. Allele origin: germline.
Comment: Variant summary: The variant involves the deletion of exons 11-13 in the IFT74 gene. A presumed nomenclature of c.(789+1_790-1)_(1054+1_1055-1)del has been designated for the purposes of this classification. This Copy Number Variant (CNV) is expected to alter the reading frame and predicted to result in a truncation or absence of the encoded protein due to nonsense mediated decay (NMD). The variant was absent in 21694 control chromosomes. To our knowledge, no occurrence of c.(789+1_790-1)_(1054+1_1055-1)del in individuals affected with IFT74-Related Disorders and no experimental evidence demonstrating its impact on protein function have been reported. No submitters have cited clinical-significance assessments for this variant to ClinVar. Based on the evidence outlined above, the variant was classified as pathogenic.